The following is an entry in ClinVar:

ClinVar aggregate classification (germline): Uncertain significance. Review status: criteria provided, multiple submitters, no conflicts (2 of 4 stars). 4 submissions from 4 submitters: Uncertain significance (3). 1 of the submissions does not count toward it. Last evaluated 2025-12-10.

Conditions:
TUB-related disorder. Also called: TUB-related condition.

Allele frequency attached by ClinVar (database versions not stated): gnomAD exomes 0.00003; ExAC 0.00005; gnomAD 0.00006 and 0.00007; TOPMed 0.00019; 1000 Genomes Project 30x 0.00031; 1000 Genomes Project 0.00040.
gnomAD v4.1: 33 of 1,614,144 alleles (0.002%); highest among the groups gnomAD compares: Admixed American, 0.022%; no homozygotes.

Submissions (4):

Ambry Genetics
Classification: Uncertain significance. Last evaluated: 2025-12-10. Review status: criteria provided, single submitter. Criteria: Ambry Variant Classification Scheme 2023. Collection method: clinical testing. Allele origin: germline.

Blueprint Genetics
Classification: Uncertain significance. Last evaluated: 2023-04-25. Review status: criteria provided, single submitter. Criteria: ACMG Guidelines, 2015. Collection method: clinical testing. Allele origin: germline.

Labcorp Genetics (formerly Invitae), Labcorp
Classification: Uncertain significance. Last evaluated: 2022-06-23. Review status: criteria provided, single submitter. Criteria: Invitae Variant Classification Sherloc (09022015). Collection method: clinical testing. Allele origin: germline.
Comment: This sequence change replaces threonine, which is neutral and polar, with methionine, which is neutral and non-polar, at codon 474 of the TUB protein (p.Thr474Met). This variant is present in population databases (rs184649891, gnomAD 0.01%). This variant has not been reported in the literature in individuals affected with TUB-related conditions. Algorithms developed to predict the effect of missense changes on protein structure and function (SIFT, PolyPhen-2, Align-GVGD) all suggest that this variant is likely to be tolerated. In summary, the available evidence is currently insufficient to determine the role of this variant in disease. Therefore, it has been classified as a Variant of Uncertain Significance.

PreventionGenetics, part of Exact Sciences
Classification: Uncertain significance for TUB-related condition. Last evaluated: 2024-01-16. Review status: no assertion criteria provided. Collection method: clinical testing. Allele origin: germline. Not counted in ClinVar's aggregate classification.
Comment: The TUB c.1421C>T variant is predicted to result in the amino acid substitution p.Thr474Met. To our knowledge, this variant has not been reported in the literature. This variant is reported in 0.0098% of alleles in individuals of South Asian descent in gnomAD. At this time, the clinical significance of this variant is uncertain due to the absence of conclusive functional and genetic evidence.

NM_177972.3(TUB):c.1256C>T (p.Thr419Met)

Genes: RIC3 (RIC3 acetylcholine receptor chaperone; minus strand), TUB (TUB bipartite transcription factor; plus strand). Cytogenetic location: 11p15.4.
Variant type: single nucleotide variant.
Coding change: c.1256C>T on transcript NM_177972.3 (MANE Select); coding-DNA position 1256, C replaced by T.
Protein change: p.Thr419Met; replaces threonine 419 with methionine.
Molecular consequence: missense variant.
Genome position (GRCh38, 1-based): chr11:8,100,866, C>T. VCF-style: chr11-8100866-C-T. GRCh37 (hg19) VCF-style: chr11-8122413-C-T.
Other names: c.1421C>T (NM_003320.4); c.1421C>T, p.Thr474Met (NM_003320.5); short protein forms T419M, T474M.
Identifiers: ClinVar variation 1485765 (VCV001485765.11), dbSNP rs184649891, ClinGen allele CA5871453.